The following is an entry in ClinVar:

NM_006096.4(NDRG1):c.863_872del (p.Asp288fs)

Gene: NDRG1 (N-myc downstream regulated 1; minus strand). Cytogenetic location: 8q24.22.
Variant type: Deletion.
Coding change: c.863_872del on transcript NM_006096.4 (MANE Select); coding-DNA positions 863 to 872, 10 bases deleted (ACTGTGGCGG; older notation c.863_872delACTGTGGCGG).
Protein change: p.Asp288fs; shifts the reading frame from aspartic acid 288.
Molecular consequence: frameshift variant.
Genome position (GRCh38, 1-based): chr8:133,244,374-133,244,383, CCGCCACAGT deleted on the plus strand (ACTGTGGCGG on the coding strand, the reverse complement: NDRG1 is on the minus strand); deleting any 10 consecutive bases within chr8:133,244,374-133,244,389 gives the same sequence; the c. name uses the placement nearest the transcript's 3' end. VCF-style (leftmost placement, unchanged base first): chr8-133244373-GCCGCCACAGT-G. GRCh37 (hg19) VCF-style: chr8-134256616-GCCGCCACAGT-G.
Other names: c.863_872del, p.Asp288fs (NM_001135242.2, NM_001374845.1, NM_001374846.1); c.665_674del, p.Asp222fs (NM_001258432.2, NM_001374847.1); c.620_629del, p.Asp207fs (NM_001258433.2); c.914_923del, p.Asp305fs (NM_001374844.1); short protein forms D207fs, D222fs, D288fs, D305fs.
Identifiers: ClinVar variation 2105969 (VCV002105969.1), dbSNP rs2538011452, ClinGen allele CA2580078600.

ClinVar aggregate classification (germline): Uncertain significance (1 of 4 stars; one submission).

Conditions:
Charcot-Marie-Tooth disease type 4. Also called: Charcot-Marie-Tooth disease, type IV; Charcot-Marie-Tooth, Type 4. Identifiers: Orphanet 64749, MedGen C4082197, MONDO:0018995.

Submission:

Labcorp Genetics (formerly Invitae), Labcorp
Classification: Uncertain significance for Charcot-Marie-Tooth disease type 4. Last evaluated: 2022-09-13. Review status: criteria provided, single submitter. Criteria: Invitae Variant Classification Sherloc (09022015). Collection method: clinical testing. Allele origin: germline.
Comment: This sequence change creates a premature translational stop signal (p.Asp288Alafs*30) in the NDRG1 gene. While this is not anticipated to result in nonsense mediated decay, it is expected to disrupt the last 107 amino acid(s) of the NDRG1 protein. This variant is not present in population databases (gnomAD no frequency). This variant has not been reported in the literature in individuals affected with NDRG1-related conditions. Experimental studies and prediction algorithms are not available or were not evaluated, and the functional significance of this variant is currently unknown. In summary, the available evidence is currently insufficient to determine the role of this variant in disease. Therefore, it has been classified as a Variant of Uncertain Significance.